The following is an entry in ClinVar:

NM_001127511.3(APC):c.166-28773G>A

Gene: APC (APC regulator of Wnt signaling pathway; plus strand). Cytogenetic location: 5q22.2.
Variant type: single nucleotide variant.
Coding change: c.166-28773G>A on transcript NM_001127511.3; 28773 bases into the intron before coding-DNA position 166, G replaced by A.
Molecular consequence: intron variant.
Genome position (GRCh38, 1-based): chr5:112,737,553, G>A. VCF-style: chr5-112737553-G-A. GRCh37 (hg19) VCF-style: chr5-112073250-G-A.
Other names: c.-1053-17320G>A (NM_001407470.1, NM_001407472.1); c.-18-17320G>A (NM_001407447.1, NM_001354895.2, NM_001407456.1 and 7 more transcripts); c.166-28773G>A (NM_001407446.1, NM_001354897.2, NM_001354902.2); c.-42-28773G>A (NM_001407453.1).
Identifiers: ClinVar variation 3356938 (VCV003356938.1).

ClinVar aggregate classification (germline): Likely benign (0 of 4 stars; one submission).

Conditions:
APC-related disorder. Also called: APC-related condition.

gnomAD v4.1: 7 of 152,084 alleles (0.0046%); highest among the groups gnomAD compares: South Asian, 0.021%; no homozygotes.

Submission:

PreventionGenetics, part of Exact Sciences
Classification: Likely benign for APC-related condition. Last evaluated: 2024-03-09. Review status: no assertion criteria provided. Collection method: clinical testing. Allele origin: germline.
Comment: This variant is classified as likely benign based on ACMG/AMP sequence variant interpretation guidelines (Richards et al. 2015 PMID: 25741868, with internal and published modifications).